The following continues an entry in ClinVar:

NM_007294.4(BRCA1):c.213-11T>G

Gene: BRCA1. ClinVar aggregate classification (germline): Pathogenic. Pathogenic (21).

Submissions 20 to 27 of 27:

Women's Health and Genetics/Laboratory Corporation of America, LabCorp
Classification: Pathogenic for Hereditary breast ovarian cancer syndrome. Last evaluated: 2016-04-15. Review status: criteria provided, single submitter. Criteria: LabCorp Variant Classification Summary - May 2015. Collection method: clinical testing. Allele origin: germline.
Comment: Variant summary: The BRCA1 c.213-11T>G variant affects a conserved intronic nucleotide. 3/5 splice-site tools predict the variant to create a new cryptic splice site and/or weaken the cononical splice site. This in silico predicted result is proven by multiple functional studies showing that this variant leads to a splicing defect, resulting in an extra 59 base pairs at the end of intron 4 and introducing a premature stop codon. This variant was found in 1/121156 control chromosomes at a frequency of 0.0000083, which does not exceed maximal expected frequency of a pathogenic BRCA1 allele (0.0010005). However, the variant has been found in multiple HBOC patients or individuals undergoing BRCA1/2 testing as reported in literature and clinical databases. Additionally, several clinical labs and clinical databases have classified this variant as pathogenic. Taken together, this variant has been classified as a Disease Variant/Pathogenic.

Consortium of Investigators of Modifiers of BRCA1/2 (CIMBA), c/o University of Cambridge
Classification: Pathogenic for Breast-ovarian cancer, familial, susceptibility to, 1. Last evaluated: 2015-10-02. Review status: criteria provided, single submitter. Criteria: CIMBA Mutation Classification guidelines May 2016. Collection method: clinical testing. Allele origin: germline.

Counsyl
Classification: Pathogenic for Breast-ovarian cancer, familial 1. Last evaluated: 2014-10-24. Review status: no assertion criteria provided. Collection method: literature only. Allele origin: unknown. Inheritance: Autosomal dominant inheritance. Not counted in ClinVar's aggregate classification.

Research Molecular Genetics Laboratory, Women's College Hospital, University of Toronto
Classification: Pathogenic for Hereditary breast ovarian cancer syndrome. Last evaluated: 2014-01-31. Review status: no assertion criteria provided. Collection method: research. Allele origin: germline. Affected: yes. Study: The Canadian Open Genetics Repository (COGR). Not counted in ClinVar's aggregate classification.

Sharing Clinical Reports Project (SCRP)
Classification: Pathogenic for Breast-ovarian cancer, familial 1. Last evaluated: 2013-07-17. Review status: no assertion criteria provided. Collection method: clinical testing. Allele origin: germline. Not counted in ClinVar's aggregate classification.

Foulkes Cancer Genetics LDI, Lady Davis Institute for Medical Research
Classification: Pathogenic for Breast and/or ovarian cancer. Last evaluated: 2007-01-26. Review status: no assertion criteria provided. Collection method: clinical testing. Allele origin: germline. Study: The Canadian Open Genetics Repository (COGR). Not counted in ClinVar's aggregate classification.

Breast Cancer Information Core (BIC) (BRCA1)
Classification: Pathogenic for Breast-ovarian cancer, familial 1. Last evaluated: 2002-05-29. Review status: no assertion criteria provided. Collection method: clinical testing. Allele origin: germline. Affected: yes. Observed: 108 variant alleles. Not counted in ClinVar's aggregate classification.

OMIM
Classification: Pathogenic for BREAST-OVARIAN CANCER, FAMILIAL, SUSCEPTIBILITY TO, 1. Last evaluated: 1994-12-01. Review status: no assertion criteria provided. Collection method: literature only. Allele origin: germline. Not counted in ClinVar's aggregate classification.

Literature cited by the submitters: PubMed 7894493 (cited by 12 submitters); PubMed 10923033 (cited by 4 submitters); PubMed 18284688 (cited by 6 submitters); PubMed 21993507 (cited by 8 submitters); PubMed 22144684 (cited by 4 submitters); PubMed 25452441 (cited by 7 submitters); PubMed 18424508 (cited by 9 submitters); PubMed 23451180 (cited by 11 submitters); PubMed 11157798 (cited by Variantyx, Inc.); PubMed 22505045 (cited by 6 submitters); PubMed 25682074 (cited by 4 submitters); PubMed 26296701 (cited by 3 submitters); PubMed 27062684 (cited by 3 submitters); PubMed 18159056 (cited by 5 submitters); PubMed 33484353 (cited by 4 submitters); PubMed 24728189 (cited by 3 submitters); PubMed 34072659 (cited by 3 submitters); PubMed 16457150 (cited by Quest Diagnostics Nichols Institute San Juan Capistrano); PubMed 21702907 (cited by Quest Diagnostics Nichols Institute San Juan Capistrano and Women's Health and Genetics/Laboratory Corporation of America, LabCorp); PubMed 18824701 (cited by Quest Diagnostics Nichols Institute San Juan Capistrano); PubMed 21170264 (cited by Quest Diagnostics Nichols Institute San Juan Capistrano); PubMed 16544996 (cited by Quest Diagnostics Nichols Institute San Juan Capistrano); PubMed 12112659 (cited by Quest Diagnostics Nichols Institute San Juan Capistrano); PubMed 22711857 (cited by Quest Diagnostics Nichols Institute San Juan Capistrano); PubMed 36292577 (cited by Quest Diagnostics Nichols Institute San Juan Capistrano); PubMed 30322717 (cited by Quest Diagnostics Nichols Institute San Juan Capistrano); PubMed 31360904 (cited by Quest Diagnostics Nichols Institute San Juan Capistrano); PubMed 31447099 (cited by Quest Diagnostics Nichols Institute San Juan Capistrano); PubMed 31850619 (cited by Quest Diagnostics Nichols Institute San Juan Capistrano); PubMed 32719484 (cited by Quest Diagnostics Nichols Institute San Juan Capistrano); PubMed 32531196 (cited by Quest Diagnostics Nichols Institute San Juan Capistrano); PubMed 33758026 (cited by Quest Diagnostics Nichols Institute San Juan Capistrano); PubMed 36169650 (cited by Quest Diagnostics Nichols Institute San Juan Capistrano); PubMed 28888541 (cited by Quest Diagnostics Nichols Institute San Juan Capistrano); PubMed 32504368 (cited by Quest Diagnostics Nichols Institute San Juan Capistrano); PubMed 30400234 (cited by Quest Diagnostics Nichols Institute San Juan Capistrano); PubMed 29622700 (cited by Quest Diagnostics Nichols Institute San Juan Capistrano); PubMed 30551077 (cited by Quest Diagnostics Nichols Institute San Juan Capistrano); PubMed 36446827 (cited by Quest Diagnostics Nichols Institute San Juan Capistrano); PubMed 29215764 (cited by Quest Diagnostics Nichols Institute San Juan Capistrano); PubMed 36119527 (cited by Quest Diagnostics Nichols Institute San Juan Capistrano); PubMed 31409081 (cited by Quest Diagnostics Nichols Institute San Juan Capistrano); PubMed 26295337 (cited by Quest Diagnostics Nichols Institute San Juan Capistrano); PubMed 22430266 (cited by Women's Health and Genetics/Laboratory Corporation of America, LabCorp); PubMed 24667779 (cited by Women's Health and Genetics/Laboratory Corporation of America, LabCorp); PubMed 16528604 (cited by Women's Health and Genetics/Laboratory Corporation of America, LabCorp); PubMed 19241424 (cited by Counsyl); PubMed 16267036 (cited by Counsyl).